The following is an entry in ClinVar:

NM_001024630.4(RUNX2):c.29dup (p.Thr11fs)

Genes: RUNX2 (RUNX family transcription factor 2; plus strand), SUPT3H (SPT3 homolog, SAGA and STAGA complex component; minus strand). Cytogenetic location: 6p21.1.
Variant type: Duplication.
Coding change: c.29dup on transcript NM_001024630.4 (MANE Select); coding-DNA position 29, one base duplicated (T; older notation c.29dupT).
Protein change: p.Thr11fs; shifts the reading frame from threonine 11.
Molecular consequence: frameshift variant. On other transcripts: non-coding transcript variant (2), intron variant (8).
Genome position (GRCh38, 1-based): chr6:45,328,755, T duplicated. VCF-style (leftmost placement, unchanged base first): chr6-45328754-G-GT. GRCh37 (hg19) VCF-style: chr6-45296491-G-GT.
Other names: c.29_30insT (NM_001024630.4); c.29dup, p.Thr11fs (NM_001015051.4); c.-73+36446dup (NM_001350327.2); c.101+36446dup (NM_001350325.2, NM_003599.4, NM_001350324.2 and 1 more transcripts); c.-265+36446dup (NM_001261823.2); c.-51-5788dup (NM_181356.3, NM_001350326.2); short protein forms T11fs.
Identifiers: ClinVar variation 916707 (VCV000916707.3), dbSNP rs1786864520, ClinGen allele CA1139659578.

ClinVar aggregate classification (germline): Pathogenic (0 of 4 stars; one submission).

Conditions:
Cleidocranial dysostosis (CLCD1). Also called: Cleidocranial Dysplasia Spectrum Disorder; cleidocranial dysplasia 1; Marie-Sainton disease. Identifiers: Orphanet 1452, MedGen C0008928, MONDO:0007340, OMIM 119600.

Submission:

Istanbul Faculty of Medicine, Istanbul University
Classification: Pathogenic for Cleidocranial dysplasia. Last evaluated: 2020-05-23. Review status: no assertion criteria provided. Collection method: clinical testing. Allele origin: unknown. Affected: yes. Observed: 2 variant alleles.
Comment: Identified in index patients of two unrelated families

Literature cited by the submitters: PubMed 33987976.